The following is an entry in ClinVar:

NC_000005.10:g.112707336A>G

Gene: APC (APC regulator of Wnt signaling pathway; plus strand). Cytogenetic location: 5q22.2.
Variant type: single nucleotide variant.
Genome position: GRCh38 VCF-style: chr5-112707336-A-G. GRCh37 (hg19) VCF-style: chr5-112043033-A-G.
Identifiers: ClinVar variation 469899 (VCV000469899.11), dbSNP rs1554060092, ClinGen allele CA658655865.

ClinVar aggregate classification (germline): Uncertain significance (1 of 4 stars; one submission).

Conditions:
Familial adenomatous polyposis 1 (FAP1). Also called: FAMILIAL ADENOMATOUS POLYPOSIS 1, ATTENUATED; POLYPOSIS, ADENOMATOUS INTESTINAL. Identifiers: MedGen C2713442, MONDO:0021056, OMIM 175100. Disease mechanism: loss of function.

Submission:

Labcorp Genetics (formerly Invitae), Labcorp
Classification: Uncertain significance for Familial adenomatous polyposis 1. Last evaluated: 2025-05-30. Review status: criteria provided, single submitter. Criteria: Invitae Variant Classification Sherloc (09022015). Collection method: clinical testing. Allele origin: germline.
Comment: This variant occurs in a non-coding region of the APC gene. It does not change the encoded amino acid sequence of the APC protein. This variant is not present in population databases (gnomAD no frequency). This variant has not been reported in the literature in individuals affected with APC-related conditions. ClinVar contains an entry for this variant (Variation ID: 469899). Experimental studies and prediction algorithms are not available or were not evaluated, and the functional significance of this variant is currently unknown. In summary, the available evidence is currently insufficient to determine the role of this variant in disease. Therefore, it has been classified as a Variant of Uncertain Significance.